The following is an entry in ClinVar:

ClinVar aggregate classification (germline): Uncertain significance (1 of 4 stars; one submission).

Conditions:
Attention deficit hyperactivity disorder (ADHD). Also called: Attention-Deficit/Hyperactivity Disorder. Identifiers: MedGen C1263846, MONDO:0007743, HP:0007018.

Allele frequency attached by ClinVar (database versions not stated): gnomAD exomes 0.90594; gnomAD 0.88367; ESP Exome Variant Server 0.88434; ExAC 0.90644; 1000 Genomes Project 30x 0.89959; TOPMed 0.88286; 1000 Genomes Project 0.90256.
gnomAD v4.1: 1,112,482 of 1,231,708 alleles (90%); highest among the groups gnomAD compares: East Asian, 93%; 502,910 homozygotes.

Submission:

Clinical Genomics, Uppaluri K&H Personalized Medicine Clinic
Classification: Uncertain significance for Attention deficit hyperactivity disorder. Review status: criteria provided, single submitter. Criteria: K &amp; H Uppaluri Personalized Medicine Clinic Variant Classification &amp; Assertion Criteria_Updated V.1. Collection method: clinical testing. Allele origin: germline. Affected: yes. Observed: 1 heterozygote.
Comment: Gene Variants in BAIAP2 have been studied in several populations and are known to cause ADHD. Potent variants of this gene prevent neuronal growth, maturation and survival, essential for proper functioning of frontal cortical and subcortical circuits. However, more clinical evidence is required to confer the association of this particular variant rs8073224 with Attention-deficit hyperactivity disorder.

Literature cited by the submitters: PubMed 24377651; PubMed 19733838; PubMed 27217152.

NM_001144888.2(BAIAP2):c.54+45T>C

Gene: BAIAP2 (BAR/IMD domain containing adaptor protein 2; plus strand). Cytogenetic location: 17q25.3.
Variant type: single nucleotide variant.
Coding change: c.54+45T>C on transcript NM_001144888.2 (MANE Select); 45 bases into the intron after coding-DNA position 54, T replaced by C.
Molecular consequence: intron variant.
Genome position (GRCh38, 1-based): chr17:81,035,353, T>C. VCF-style: chr17-81035353-T-C. GRCh37 (hg19) VCF-style: chr17-79009153-T-C.
Other names: c.54+45T>C (NM_001385129.1, NM_006340.3, NM_017451.3 and 18 more transcripts); c.-147+45T>C (NM_001385148.1).
Identifiers: ClinVar variation 2507410 (VCV002507410.1), dbSNP rs8073224, ClinGen allele CA8826450.